The following is an entry in ClinVar:

ClinVar aggregate classification (germline): Uncertain significance (1 of 4 stars; one submission).

Conditions:
Autosomal recessive limb-girdle muscular dystrophy type 2J (LGMDR10). Also called: Limb-girdle muscular dystrophy, type 2J; MUSCULAR DYSTROPHY, LIMB-GIRDLE, AUTOSOMAL RECESSIVE 10. Identifiers: Orphanet 140922, MedGen C1837342, MONDO:0012127, OMIM 608807.

Submission:

3billion
Classification: Uncertain significance for Autosomal recessive limb-girdle muscular dystrophy type 2J. Last evaluated: 2024-11-22. Review status: criteria provided, single submitter. Criteria: ACMG Guidelines, 2015. Collection method: clinical testing. Allele origin: germline. Affected: yes.
Comment: The variant is not observed in the gnomAD v4.1.0 dataset. Predicted Consequence/Location: Missense variant. The majority of the known disease-causing variants of this gene are variants expected to result in premature termination of the protein. Damaging effect on gene or gene product predicted by in silico programs is uncertain [REVEL: 0.47 (damaging >=0.6, benign <0.4), 3Cnet: 0.00 (damaging >=0.6, benign <0.15)]. Different missense changes at the same codon have been reported as of uncertain significance (ClinVar ID: VCV002437956). Therefore, this variant is classified as VUS according to the recommendation of ACMG/AMP guideline.

NM_001267550.2(TTN):c.29111C>A (p.Pro9704His)

Gene: TTN (titin; minus strand). Cytogenetic location: 2q31.2.
Variant type: single nucleotide variant.
Coding change: c.29111C>A on transcript NM_001267550.2 (MANE Select); coding-DNA position 29111, C replaced by A.
Protein change: p.Pro9704His; replaces proline 9704 with histidine.
Molecular consequence: missense variant. On other transcripts: intron variant (3).
Genome position (GRCh38, 1-based): chr2:178,706,885, G>T on the plus strand (C>A on the coding strand, the complement: TTN is on the minus strand). VCF-style: chr2-178706885-G-T. GRCh37 (hg19) VCF-style: chr2-179571612-G-T.
Other names: c.28160C>A, p.Pro9387His (NM_001256850.1); c.25379C>A, p.Pro8460His (NM_133378.4); c.13282+31197C>A (NM_003319.4); c.13858+31197C>A (NM_133437.4); c.13657+31197C>A (NM_133432.3); short protein forms P8460H, P9387H, P9704H.
Identifiers: ClinVar variation 4291983 (VCV004291983.1).